The following is an entry in ClinVar:

ClinVar aggregate classification (germline): Uncertain significance (1 of 4 stars; one submission).

gnomAD v4.1: 1 of 765,072 alleles (0.00013%); highest among the groups gnomAD compares: Non-Finnish European, 0.00024%; no homozygotes.

Submission:

GeneDx
Classification: Uncertain significance. Last evaluated: 2026-03-16. Review status: criteria provided, single submitter. Criteria: GeneDx Variant Classification Process June 2021. Collection method: clinical testing. Allele origin: germline.
Comment: Reported using an alternate transcript of the gene; Not observed at significant frequency in large population cohorts (gnomAD); In silico analysis suggests that this missense variant does not alter protein structure/function; In silico analysis is inconclusive as to whether the variant alters gene splicing. In the absence of RNA/functional studies, the actual effect of this sequence change is unknown.; Has not been previously published as pathogenic or benign to our knowledge

NM_015015.3(KDM4B):c.1115+957G>T

Gene: KDM4B (lysine demethylase 4B; plus strand). Cytogenetic location: 19p13.3.
Variant type: single nucleotide variant.
Coding change: c.1115+957G>T on transcript NM_015015.3 (MANE Select); 957 bases into the intron after coding-DNA position 1115, G replaced by T.
Molecular consequence: intron variant. On other transcripts: missense variant (2).
Genome position (GRCh38, 1-based): chr19:5,111,775, G>T. VCF-style: chr19-5111775-G-T. GRCh37 (hg19) VCF-style: chr19-5111786-G-T.
Other names: c.1286G>T, p.Gly429Val (NM_001370093.1); c.1116G>T, p.Arg372Ser (NM_001370094.1); c.1115+957G>T (NM_001411148.1); short protein forms R372S, G429V.
Identifiers: ClinVar variation 5009174 (VCV005009174.1).